The following is an entry in ClinVar:

ClinVar aggregate classification (germline): Uncertain significance. Review status: criteria provided, single submitter (1 of 4 stars). 2 submissions from 2 submitters: Uncertain significance (1). 1 of the submissions does not count toward it. Last evaluated 2023-10-05.

Conditions:
MHC class II deficiency. Also called: Bare lymphocyte syndrome 2; BLS, TYPE II. Identifiers: Orphanet 572, MedGen C5447452, MONDO:0008855.

Allele frequency attached by ClinVar (database versions not stated): ExAC 0.00001.
gnomAD v4.1: 3 of 1,613,376 alleles (0.00019%); highest among the groups gnomAD compares: East Asian, 0.0022%; no homozygotes.

Submissions (2):

Labcorp Genetics (formerly Invitae), Labcorp
Classification: Uncertain significance for MHC class II deficiency. Last evaluated: 2023-10-05. Review status: criteria provided, single submitter. Criteria: Invitae Variant Classification Sherloc (09022015). Collection method: clinical testing. Allele origin: germline.
Comment: This sequence change replaces proline, which is neutral and non-polar, with alanine, which is neutral and non-polar, at codon 654 of the CIITA protein (p.Pro654Ala). This variant is present in population databases (rs747535079, gnomAD 0.0009%). This variant has not been reported in the literature in individuals affected with CIITA-related conditions. An algorithm developed to predict the effect of missense changes on protein structure and function (PolyPhen-2) suggests that this variant is likely to be tolerated. In summary, the available evidence is currently insufficient to determine the role of this variant in disease. Therefore, it has been classified as a Variant of Uncertain Significance.

Natera, Inc.
Classification: Uncertain significance for Bare lymphocyte syndrome type II. Last evaluated: 2025-02-14. Review status: no assertion criteria provided. Collection method: clinical testing. Allele origin: germline. Not counted in ClinVar's aggregate classification.

NM_000246.4(CIITA):c.1960C>G (p.Pro654Ala)

Gene: CIITA (class II major histocompatibility complex transactivator; plus strand). Cytogenetic location: 16p13.13.
Variant type: single nucleotide variant.
Coding change: c.1960C>G on transcript NM_000246.4 (MANE Select); coding-DNA position 1960, C replaced by G.
Protein change: p.Pro654Ala; replaces proline 654 with alanine.
Molecular consequence: missense variant. On other transcripts: intron variant (1).
Genome position (GRCh38, 1-based): chr16:10,907,452, C>G. VCF-style: chr16-10907452-C-G. GRCh37 (hg19) VCF-style: chr16-11001309-C-G.
Other names: c.1963C>G, p.Pro655Ala (NM_001286402.1, NM_001379332.1); c.1816C>G, p.Pro606Ala (NM_001379330.1); c.1813C>G, p.Pro605Ala (NM_001379331.1); c.1960C>G, p.Pro654Ala (NM_001379333.1); c.1891C>G, p.Pro631Ala (NM_001379334.1); c.860-1531C>G (NM_001286403.2); short protein forms P606A, P654A, P605A, P655A, P631A.
Identifiers: ClinVar variation 2881420 (VCV002881420.4), dbSNP rs747535079, ClinGen allele CA7900256.